The following is an entry in ClinVar:

ClinVar aggregate classification (germline): Likely benign (1 of 4 stars; one submission).

Submission:

CeGaT Center for Human Genetics Tuebingen
Classification: Likely benign. Last evaluated: 2026-03-01. Review status: criteria provided, single submitter. Criteria: CeGaT Center For Human Genetics Tuebingen Variant Classification Criteria Version 2. Collection method: clinical testing. Allele origin: germline. Affected: yes. Observed: 1 variant allele.
Comment: TAF2: PM2:Supporting, BP4, BP7

NM_003184.4(TAF2):c.1089T>A (p.Ser363=)

Gene: TAF2 (TATA-box binding protein associated factor 2; minus strand). Cytogenetic location: 8q24.12.
Variant type: single nucleotide variant.
Coding change: c.1089T>A on transcript NM_003184.4 (MANE Select); coding-DNA position 1089, T replaced by A.
Protein change: p.Ser363=; no amino-acid change (serine 363 retained).
Molecular consequence: synonymous variant.
Genome position (GRCh38, 1-based): chr8:119,796,992, A>T on the plus strand (T>A on the coding strand, the complement: TAF2 is on the minus strand). VCF-style: chr8-119796992-A-T. GRCh37 (hg19) VCF-style: chr8-120809232-A-T.
Other names: c.1089T>A, p.Ser363= (NM_001437338.1, NM_001437339.1, NM_001438084.1).
Identifiers: ClinVar variation 4823541 (VCV004823541.4).